The following is an entry in ClinVar:

NM_004859.4(CLTC):c.2680C>A (p.Leu894Ile)

Gene: CLTC (clathrin heavy chain; plus strand). Cytogenetic location: 17q23.1.
Variant type: single nucleotide variant.
Coding change: c.2680C>A on transcript NM_004859.4 (MANE Select); coding-DNA position 2680, C replaced by A.
Protein change: p.Leu894Ile; replaces leucine 894 with isoleucine.
Molecular consequence: missense variant.
Genome position (GRCh38, 1-based): chr17:59,677,072, C>A. VCF-style: chr17-59677072-C-A. GRCh37 (hg19) VCF-style: chr17-57754433-C-A.
Other names: c.2692C>A, p.Leu898Ile (NM_001288653.2); short protein forms L894I, L898I.
Identifiers: ClinVar variation 4745454 (VCV004745454.1).

ClinVar aggregate classification (germline): Uncertain significance (1 of 4 stars; one submission).

Submission:

Labcorp Genetics (formerly Invitae), Labcorp
Classification: Uncertain significance. Last evaluated: 2025-03-10. Review status: criteria provided, single submitter. Criteria: Invitae Variant Classification Sherloc (09022015). Collection method: clinical testing. Allele origin: germline.
Comment: This sequence change replaces leucine, which is neutral and non-polar, with isoleucine, which is neutral and non-polar, at codon 898 of the CLTC protein (p.Leu898Ile). This variant is not present in population databases (gnomAD no frequency). This variant has not been reported in the literature in individuals affected with CLTC-related conditions. Invitae Evidence Modeling of protein sequence and biophysical properties (such as structural, functional, and spatial information, amino acid conservation, physicochemical variation, residue mobility, and thermodynamic stability) indicates that this missense variant is not expected to disrupt CLTC protein function with a negative predictive value of 80%. In summary, the available evidence is currently insufficient to determine the role of this variant in disease. Therefore, it has been classified as a Variant of Uncertain Significance.